The following is an entry in ClinVar:

ClinVar aggregate classification (germline): Uncertain significance (1 of 4 stars; one submission).

Conditions:
Dystonic disorder. Also called: Dystonia. Identifiers: MedGen C0013421, MONDO:0003441, HP:0001332.

Allele frequency attached by ClinVar (database versions not stated): gnomAD exomes below 0.00001.
gnomAD v4.1: 3 of 1,598,364 alleles (0.00019%); highest among the groups gnomAD compares: Non-Finnish European, 0.00026%; no homozygotes.

Submission:

Labcorp Genetics (formerly Invitae), Labcorp
Classification: Uncertain significance for Dystonic disorder. Last evaluated: 2024-10-24. Review status: criteria provided, single submitter. Criteria: Invitae Variant Classification Sherloc (09022015). Collection method: clinical testing. Allele origin: germline.
Comment: This sequence change replaces serine, which is neutral and polar, with proline, which is neutral and non-polar, at codon 124 of the ANO3 protein (p.Ser124Pro). The frequency data for this variant in the population databases is considered unreliable, as metrics indicate poor data quality at this position in the gnomAD database. This variant has not been reported in the literature in individuals affected with ANO3-related conditions. ClinVar contains an entry for this variant (Variation ID: 1445489). Invitae Evidence Modeling of protein sequence and biophysical properties (such as structural, functional, and spatial information, amino acid conservation, physicochemical variation, residue mobility, and thermodynamic stability) has been performed for this missense variant. However, the output from this modeling did not meet the statistical confidence thresholds required to predict the impact of this variant on ANO3 protein function. In summary, the available evidence is currently insufficient to determine the role of this variant in disease. Therefore, it has been classified as a Variant of Uncertain Significance.

NM_031418.4(ANO3):c.370T>C (p.Ser124Pro)

Gene: ANO3 (anoctamin 3; plus strand). Cytogenetic location: 11p14.2.
Variant type: single nucleotide variant.
Coding change: c.370T>C on transcript NM_031418.4 (MANE Select); coding-DNA position 370, T replaced by C.
Protein change: p.Ser124Pro; replaces serine 124 with proline.
Molecular consequence: missense variant.
Genome position (GRCh38, 1-based): chr11:26,463,086, T>C. VCF-style: chr11-26463086-T-C. GRCh37 (hg19) VCF-style: chr11-26484633-T-C.
Other names: c.553T>C, p.Ser185Pro (NM_001313726.2); short protein forms S124P, S185P.
Identifiers: ClinVar variation 1445489 (VCV001445489.5), dbSNP rs1308670902, ClinGen allele CA380066734.